The following is an entry in ClinVar:

ClinVar aggregate classification (germline): Pathogenic/Likely pathogenic. Review status: criteria provided, multiple submitters, no conflicts (2 of 4 stars). 2 submissions from 2 submitters: Pathogenic (1); Likely pathogenic (1). Last evaluated 2025-02-19.

Conditions:
Methylmalonic aciduria due to methylmalonyl-CoA mutase deficiency (MAMM). Also called: Methylmalonic aciduria, mut type. Identifiers: Orphanet 27, MedGen C1855114, MONDO:0009612, OMIM 251000.

Allele frequency attached by ClinVar (database versions not stated): gnomAD exomes below 0.00001; ExAC 0.00001.

Submissions (2):

Myriad Genetics, Inc.
Classification: Likely pathogenic for Methylmalonic aciduria due to methylmalonyl-CoA mutase deficiency. Last evaluated: 2025-02-19. Review status: criteria provided, single submitter. Criteria: Myriad Autosomal Dominant, Autosomal Recessive and X-Linked Classification Criteria (2023). Collection method: clinical testing. Allele origin: unknown.
Comment: NM_000255.3(MMUT):c.1871A>G(Q624R) is a missense variant classified as likely pathogenic in the context of methylmalonic acidemia, MMUT-related. Q624R has been observed in cases with relevant disease (PMID: 15643616, 27167370, 20549364, 27233228). Relevant functional assessments of this variant are not available in the literature. Q624R has been observed in referenced population frequency databases. In summary, NM_000255.3(MMUT):c.1871A>G(Q624R) is a missense variant that has been observed more frequently in cases with the relevant disease than in healthy populations. Please note: this variant was assessed in the context of healthy population screening.

Labcorp Genetics (formerly Invitae), Labcorp
Classification: Pathogenic. Last evaluated: 2022-11-29. Review status: criteria provided, single submitter. Criteria: Invitae Variant Classification Sherloc (09022015). Collection method: clinical testing. Allele origin: germline.
Comment: For these reasons, this variant has been classified as Pathogenic. Advanced modeling of protein sequence and biophysical properties (such as structural, functional, and spatial information, amino acid conservation, physicochemical variation, residue mobility, and thermodynamic stability) performed at Invitae indicates that this missense variant is expected to disrupt MUT protein function. ClinVar contains an entry for this variant (Variation ID: 1459267). This missense change has been observed in individual(s) with methylmalonic aciduria (PMID: 15643616, 20549364, 27167370, 27233228). This variant is present in population databases (rs768521956, gnomAD 0.003%). This sequence change replaces glutamine, which is neutral and polar, with arginine, which is basic and polar, at codon 624 of the MUT protein (p.Gln624Arg).

Literature cited by the submitters: PubMed 15643616 (cited by Myriad Genetics, Inc. and Labcorp Genetics (formerly Invitae), Labcorp); PubMed 20549364 (cited by Myriad Genetics, Inc. and Labcorp Genetics (formerly Invitae), Labcorp); PubMed 27167370 (cited by Myriad Genetics, Inc. and Labcorp Genetics (formerly Invitae), Labcorp); PubMed 27233228 (cited by Myriad Genetics, Inc. and Labcorp Genetics (formerly Invitae), Labcorp).

NM_000255.4(MMUT):c.1871A>G (p.Gln624Arg)

Gene: MMUT (methylmalonyl-CoA mutase; minus strand). Cytogenetic location: 6p12.3.
Variant type: single nucleotide variant.
Coding change: c.1871A>G on transcript NM_000255.4 (MANE Select); coding-DNA position 1871, A replaced by G.
Protein change: p.Gln624Arg; replaces glutamine 624 with arginine.
Molecular consequence: missense variant.
Genome position (GRCh38, 1-based): chr6:49,440,291, T>C on the plus strand (A>G on the coding strand, the complement: MMUT is on the minus strand). VCF-style: chr6-49440291-T-C. GRCh37 (hg19) VCF-style: chr6-49408004-T-C.
Other names: short protein forms Q624R.
Identifiers: ClinVar variation 1459267 (VCV001459267.9), dbSNP rs768521956, ClinGen allele CA3846720.